The following is an entry in ClinVar:

NM_001084.5(PLOD3):c.872G>T (p.Gly291Val)

Gene: PLOD3 (procollagen-lysine,2-oxoglutarate 5-dioxygenase 3; minus strand). Cytogenetic location: 7q22.1.
Variant type: single nucleotide variant.
Coding change: c.872G>T on transcript NM_001084.5 (MANE Select); coding-DNA position 872, G replaced by T.
Protein change: p.Gly291Val; replaces glycine 291 with valine.
Molecular consequence: missense variant.
Genome position (GRCh38, 1-based): chr7:101,212,849, C>A on the plus strand (G>T on the coding strand, the complement: PLOD3 is on the minus strand). VCF-style: chr7-101212849-C-A. GRCh37 (hg19) VCF-style: chr7-100856130-C-A.
Other names: short protein forms G291V.
Identifiers: ClinVar variation 1381442 (VCV001381442.4), dbSNP rs200279103, ClinGen allele CA4407980.
Genomic context (GRCh38, chr7:101,212,849, plus strand): 5'-CTCCTGCTCAGCACGCTGCCCTCTCGTGCCCCTCCCTGGCACCCCCACCTCACCTGCCCC[C>A]CCGGGAGTGTCCTCCGGTCCTGGTTGCAGAAGCCACAGCCTCCCTCAGGAGTCCAGCCAT-3'
Protein context (NP_001075.1, residues 281-301): FCNQDRRTLP[Gly291Val]GQPPPRVFLA

ClinVar aggregate classification (germline): Uncertain significance (1 of 4 stars; one submission).

gnomAD v4.1: 68 of 1,611,860 alleles (0.0042%); highest among the groups gnomAD compares: Non-Finnish European, 0.0053%; no homozygotes.

Submission:

Labcorp Genetics (formerly Invitae), Labcorp
Classification: Uncertain significance. Last evaluated: 2025-01-14. Review status: criteria provided, single submitter. Criteria: Invitae Variant Classification Sherloc (09022015). Collection method: clinical testing. Allele origin: germline.
Comment: This sequence change replaces glycine, which is neutral and non-polar, with valine, which is neutral and non-polar, at codon 291 of the PLOD3 protein (p.Gly291Val). This variant is present in population databases (rs200279103, gnomAD 0.006%). This variant has not been reported in the literature in individuals affected with PLOD3-related conditions. ClinVar contains an entry for this variant (Variation ID: 1381442). An algorithm developed to predict the effect of missense changes on protein structure and function (PolyPhen-2) suggests that this variant¬†is likely to be tolerated. In summary, the available evidence is currently insufficient to determine the role of this variant in disease. Therefore, it has been classified as a Variant of Uncertain Significance.